The following is an entry in ClinVar:

NM_000388.4(CASR):c.2506G>T (p.Val836Leu)

Gene: CASR (calcium sensing receptor; plus strand). Cytogenetic location: 3q21.1.
Variant type: single nucleotide variant.
Coding change: c.2506G>T on transcript NM_000388.4 (MANE Select); coding-DNA position 2506, G replaced by T.
Protein change: p.Val836Leu; replaces valine 836 with leucine.
Molecular consequence: missense variant.
Genome position (GRCh38, 1-based): chr3:122,284,460, G>T. VCF-style: chr3-122284460-G-T. GRCh37 (hg19) VCF-style: chr3-122003307-G-T.
Other names: c.2536G>T, p.Val846Leu (NM_001178065.2); short protein forms V836L, V846L.
Identifiers: ClinVar variation 1299629 (VCV001299629.5), dbSNP rs2107650629, ClinGen allele CA354160101.

ClinVar aggregate classification (germline): Conflicting classifications of pathogenicity. Review status: criteria provided, conflicting classifications (1 of 4 stars). 4 submissions from 4 submitters: Likely pathogenic (3); Uncertain significance (1). Last evaluated 2025-06-30.

Conditions:
Autosomal dominant hypocalcemia 1 (HYPOC1). Also called: HYPOCALCEMIA, FAMILIAL. Identifiers: MedGen C3715128, MONDO:0011013, OMIM 601198.
Familial hypocalciuric hypercalcemia 1. Also called: Hypercalcemia, familial benign type 1. Identifiers: Orphanet 405, Orphanet 93372, MedGen C0342637, MONDO:0007791, OMIM 145980.
Epilepsy, idiopathic generalized, susceptibility to, 8. Identifiers: MedGen C2752062, MONDO:0013032, OMIM 612899.
Neonatal severe primary hyperparathyroidism. Identifiers: Orphanet 417, MedGen C1832615, MONDO:0009397, OMIM 239200.
Familial hypocalciuric hypercalcemia (FHH). Also called: Familial benign hypercalcemia. Identifiers: Orphanet 405, MedGen C1809471, MONDO:0018458.

Submissions (4):

Labcorp Genetics (formerly Invitae), Labcorp
Classification: Uncertain significance for Familial hypocalciuric hypercalcemia; Autosomal dominant hypocalcemia 1. Last evaluated: 2025-06-30. Review status: criteria provided, single submitter. Criteria: Invitae Variant Classification Sherloc (09022015). Collection method: clinical testing. Allele origin: germline.
Comment: This sequence change replaces valine, which is neutral and non-polar, with leucine, which is neutral and non-polar, at codon 836 of the CASR protein (p.Val836Leu). This variant is not present in population databases (gnomAD no frequency). This missense change has been observed in individual(s) with autosomal dominant hypocalcemia (PMID: 15591042, 34008892). This variant is also known as c.2536G>T, p.Val846Leu. ClinVar contains an entry for this variant (Variation ID: 1299629). An algorithm developed to predict the effect of missense changes on protein structure and function (PolyPhen-2) suggests that this variant is likely to be disruptive. Experimental studies have shown that this missense change affects CASR function (PMID: 15591042, 22798347). In summary, the available evidence is currently insufficient to determine the role of this variant in disease. Therefore, it has been classified as a Variant of Uncertain Significance.

GeneDx
Classification: Likely pathogenic. Last evaluated: 2022-07-06. Review status: criteria provided, single submitter. Criteria: GeneDx Variant Classification Process June 2021. Collection method: clinical testing. Allele origin: germline. Affected: yes.
Comment: Not observed at significant frequency in large population cohorts (gnomAD); In silico analysis supports that this missense variant has a deleterious effect on protein structure/function; This variant is associated with the following publications: (PMID: 34008892, Legro2021[abstract])

Fulgent Genetics
Classification: Likely pathogenic for Familial hypocalciuric hypercalcemia 1; Neonatal severe primary hyperparathyroidism; Autosomal dominant hypocalcemia 1; Epilepsy, idiopathic generalized, susceptibility to, 8. Last evaluated: 2022-04-02. Review status: criteria provided, single submitter. Criteria: ACMG Guidelines, 2015. Collection method: clinical testing. Allele origin: unknown.

Laboratory of Medical Genetics, National & Kapodistrian University of Athens
Classification: Likely pathogenic for Autosomal dominant hypocalcemia 1. Last evaluated: 2021-10-01. Review status: criteria provided, single submitter. Criteria: ACMG Guidelines, 2015. Collection method: clinical testing. Allele origin: unknown. Affected: yes.
Comment: PM2, PP2, PP3, PP4, PP5

Literature cited by the submitters: PubMed 15591042 (cited by Labcorp Genetics (formerly Invitae), Labcorp); PubMed 34008892 (cited by Labcorp Genetics (formerly Invitae), Labcorp and Laboratory of Medical Genetics, National & Kapodistrian University of Athens); PubMed 22798347 (cited by Labcorp Genetics (formerly Invitae), Labcorp).